The following is an entry in ClinVar:

ClinVar aggregate classification (germline): Pathogenic (1 of 4 stars; one submission).

Submission:

GeneDx
Classification: Pathogenic. Last evaluated: 2022-01-06. Review status: criteria provided, single submitter. Criteria: GeneDx Variant Classification Process June 2021. Collection method: clinical testing. Allele origin: germline. Affected: yes.
Comment: Not observed at significant frequency in large population cohorts (gnomAD); In silico analysis supports a deleterious effect on splicing; In silico analysis supports that this missense variant does not alter protein structure/function; This variant is associated with the following publications: (PMID: 29511999)

NM_015335.5(MED13L):c.2930C>T (p.Ala977Val)

Gene: MED13L (mediator complex subunit 13L; minus strand). Cytogenetic location: 12q24.21.
Variant type: single nucleotide variant.
Coding change: c.2930C>T on transcript NM_015335.5 (MANE Select); coding-DNA position 2930, C replaced by T.
Protein change: p.Ala977Val; replaces alanine 977 with valine.
Molecular consequence: missense variant.
Genome position (GRCh38, 1-based): chr12:115,996,542, G>A on the plus strand (C>T on the coding strand, the complement: MED13L is on the minus strand). VCF-style: chr12-115996542-G-A. GRCh37 (hg19) VCF-style: chr12-116434347-G-A.
Other names: short protein forms A977V.
Identifiers: ClinVar variation 429919 (VCV000429919.4), dbSNP rs1131691671, ClinGen allele CA386889657.